The following is an entry in ClinVar:

NM_014975.3(MAST1):c.4097C>T (p.Ala1366Val)

Gene: MAST1 (microtubule associated serine/threonine kinase 1; plus strand). Cytogenetic location: 19p13.13.
Variant type: single nucleotide variant.
Coding change: c.4097C>T on transcript NM_014975.3 (MANE Select); coding-DNA position 4097, C replaced by T.
Protein change: p.Ala1366Val; replaces alanine 1366 with valine.
Molecular consequence: missense variant.
Genome position (GRCh38, 1-based): chr19:12,874,254, C>T. VCF-style: chr19-12874254-C-T. GRCh37 (hg19) VCF-style: chr19-12985068-C-T.
Other names: short protein forms A1366V.
Identifiers: ClinVar variation 4975922 (VCV004975922.1).

ClinVar aggregate classification (germline): Uncertain significance (1 of 4 stars; one submission).

Submission:

GeneDx
Classification: Uncertain significance. Last evaluated: 2026-01-30. Review status: criteria provided, single submitter. Criteria: GeneDx Variant Classification Process June 2021. Collection method: clinical testing. Allele origin: germline.
Comment: Not observed at significant frequency in large population cohorts (gnomAD); In silico analysis suggests that this missense variant does not alter protein structure/function; Has not been previously published as pathogenic or benign to our knowledge